The following is an entry in ClinVar:

ClinVar aggregate classification (germline): Uncertain significance. Review status: criteria provided, multiple submitters, no conflicts (2 of 4 stars). 2 submissions from 2 submitters: Uncertain significance (2). Last evaluated 2024-01-06.

Conditions:
Dystonia 12 (DYT12). Also called: Rapid-Onset Dystonia-Parkinsonism (RDP); DYT-ATP1A3. Identifiers: Orphanet 71517, MedGen C1868681, MONDO:0007496, OMIM 128235.

Submissions (2):

Labcorp Genetics (formerly Invitae), Labcorp
Classification: Uncertain significance for Dystonia 12. Last evaluated: 2024-01-06. Review status: criteria provided, single submitter. Criteria: Invitae Variant Classification Sherloc (09022015). Collection method: clinical testing. Allele origin: germline.
Comment: This sequence change replaces alanine, which is neutral and non-polar, with serine, which is neutral and polar, at codon 636 of the ATP1A3 protein (p.Ala636Ser). This variant is not present in population databases (gnomAD no frequency). This variant has not been reported in the literature in individuals affected with ATP1A3-related conditions. Advanced modeling of protein sequence and biophysical properties (such as structural, functional, and spatial information, amino acid conservation, physicochemical variation, residue mobility, and thermodynamic stability) performed at Invitae indicates that this missense variant is expected to disrupt ATP1A3 protein function with a positive predictive value of 80%. In summary, the available evidence is currently insufficient to determine the role of this variant in disease. Therefore, it has been classified as a Variant of Uncertain Significance.

Blueprint Genetics
Classification: Uncertain significance. Last evaluated: 2022-05-30. Review status: criteria provided, single submitter. Criteria: ACMG Guidelines, 2015. Collection method: clinical testing. Allele origin: germline.

NM_152296.5(ATP1A3):c.1906G>T (p.Ala636Ser)

Gene: ATP1A3 (ATPase Na+/K+ transporting subunit alpha 3; minus strand). Cytogenetic location: 19q13.2.
Variant type: single nucleotide variant.
Coding change: c.1906G>T on transcript NM_152296.5 (MANE Select); coding-DNA position 1906, G replaced by T.
Protein change: p.Ala636Ser; replaces alanine 636 with serine.
Molecular consequence: missense variant.
Genome position (GRCh38, 1-based): chr19:41,977,973, C>A on the plus strand (G>T on the coding strand, the complement: ATP1A3 is on the minus strand). VCF-style: chr19-41977973-C-A. GRCh37 (hg19) VCF-style: chr19-42482125-C-A.
Other names: c.1939G>T, p.Ala647Ser (NM_001256213.2); c.1945G>T, p.Ala649Ser (NM_001256214.2); short protein forms A649S, A647S, A636S.
Identifiers: ClinVar variation 2707976 (VCV002707976.4), dbSNP rs782744167, ClinGen allele CA406044933.